The following is an entry in ClinVar:

ClinVar aggregate classification (germline): Conflicting classifications of pathogenicity. Review status: criteria provided, conflicting classifications (1 of 4 stars). 2 submissions from 2 submitters: Uncertain significance (1); Likely benign (1). Last evaluated 2025-03-24.

Conditions:
Arrhythmogenic right ventricular dysplasia 9 (ARVD9). Also called: Arrhythmogenic Right Ventricular Dysplasia/Cardiomyopathy 9; ARRHYTHMOGENIC RIGHT VENTRICULAR DYSPLASIA, FAMILIAL, 9. Identifiers: MedGen C1836906, MONDO:0012180, OMIM 609040.
Cardiomyopathy (CMYO). Also called: Cardiomyopathies. Identifiers: Orphanet 167848, MedGen C0878544, MONDO:0004994, HP:0001638. Inheritance: Various modes of inheritance.

Allele frequency attached by ClinVar (database versions not stated): gnomAD 0.00001.
gnomAD v4.1: 1 of 1,613,876 alleles (0.000062%); highest among the groups gnomAD compares: Admixed American, 0.0017%; no homozygotes.

Submissions (2):

Color Diagnostics, LLC DBA Color Health
Classification: Likely benign for Cardiomyopathy. Last evaluated: 2025-03-24. Review status: criteria provided, single submitter. Criteria: ACMG Guidelines, 2015. Collection method: clinical testing. Allele origin: germline.

Labcorp Genetics (formerly Invitae), Labcorp
Classification: Uncertain significance for Arrhythmogenic right ventricular dysplasia 9. Last evaluated: 2020-10-25. Review status: criteria provided, single submitter. Criteria: Invitae Variant Classification Sherloc (09022015). Collection method: clinical testing. Allele origin: germline.
Comment: In summary, the available evidence is currently insufficient to determine the role of this variant in disease. Therefore, it has been classified as a Variant of Uncertain Significance. Algorithms developed to predict the effect of missense changes on protein structure and function (SIFT, PolyPhen-2, Align-GVGD) all suggest that this variant is likely to be tolerated, but these predictions have not been confirmed by published functional studies and their clinical significance is uncertain. This sequence change replaces glutamic acid with lysine at codon 157 of the PKP2 protein (p.Glu157Lys). The glutamic acid residue is moderately conserved and there is a small physicochemical difference between glutamic acid and lysine. This variant is not present in population databases (ExAC no frequency). This variant has not been reported in the literature in individuals with PKP2-related conditions.

NM_001005242.3(PKP2):c.469G>A (p.Glu157Lys)

Gene: PKP2 (plakophilin 2; minus strand). Cytogenetic location: 12p11.21.
Variant type: single nucleotide variant.
Coding change: c.469G>A on transcript NM_001005242.3 (MANE Select); coding-DNA position 469, G replaced by A.
Protein change: p.Glu157Lys; replaces glutamic acid 157 with lysine.
Molecular consequence: missense variant.
Genome position (GRCh38, 1-based): chr12:32,878,411, C>T on the plus strand (G>A on the coding strand, the complement: PKP2 is on the minus strand). VCF-style: chr12-32878411-C-T. GRCh37 (hg19) VCF-style: chr12-33031345-C-T.
Other names: c.469G>A, p.Glu157Lys (NM_004572.4); short protein forms E157K.
Identifiers: ClinVar variation 1059180 (VCV001059180.10), dbSNP rs1956954911, ClinGen allele CA384365118.